The following is an entry in ClinVar:

NM_032043.3(BRIP1):c.232G>A (p.Glu78Lys)

Gene: BRIP1 (BRCA1 interacting DNA helicase 1; minus strand). Cytogenetic location: 17q23.2.
Variant type: single nucleotide variant.
Coding change: c.232G>A on transcript NM_032043.3 (MANE Select); coding-DNA position 232, G replaced by A.
Protein change: p.Glu78Lys; replaces glutamic acid 78 with lysine.
Molecular consequence: missense variant.
Genome position (GRCh38, 1-based): chr17:61,857,205, C>T on the plus strand (G>A on the coding strand, the complement: BRIP1 is on the minus strand). VCF-style: chr17-61857205-C-T. GRCh37 (hg19) VCF-style: chr17-59934566-C-T.
Other names: short protein forms E78K.
Identifiers: ClinVar variation 1489054 (VCV001489054.7), dbSNP rs2145830931, ClinGen allele CA400485576.

ClinVar aggregate classification (germline): Uncertain significance (1 of 4 stars; one submission).

Conditions:
Fanconi anemia complementation group J. Also called: BRIP1-Related Fanconi Anemia. Identifiers: Orphanet 84, MedGen C1836860, MONDO:0012187, OMIM 609054.
Familial cancer of breast. Also called: BREAST CANCER, FAMILIAL; Hereditary breast cancer; hereditary breast carcinoma. Identifiers: Orphanet 227535, MedGen C0346153, MONDO:0016419, OMIM 114480. Disease mechanism: loss of function.

Submission:

Labcorp Genetics (formerly Invitae), Labcorp
Classification: Uncertain significance for Familial cancer of breast; Fanconi anemia complementation group J. Last evaluated: 2021-11-14. Review status: criteria provided, single submitter. Criteria: Invitae Variant Classification Sherloc (09022015). Collection method: clinical testing. Allele origin: germline.
Comment: In summary, the available evidence is currently insufficient to determine the role of this variant in disease. Therefore, it has been classified as a Variant of Uncertain Significance. Algorithms developed to predict the effect of missense changes on protein structure and function output the following: SIFT: "Tolerated"; PolyPhen-2: "Benign"; Align-GVGD: "Class C0". The lysine amino acid residue is found in multiple mammalian species, which suggests that this missense change does not adversely affect protein function. This variant has not been reported in the literature in individuals affected with BRIP1-related conditions. This variant is not present in population databases (gnomAD no frequency). This sequence change replaces glutamic acid, which is acidic and polar, with lysine, which is basic and polar, at codon 78 of the BRIP1 protein (p.Glu78Lys).